The following is an entry in ClinVar:

ClinVar aggregate classification (germline): Conflicting classifications of pathogenicity. Review status: criteria provided, conflicting classifications (1 of 4 stars). 5 submissions from 5 submitters: Uncertain significance (1); Likely benign (2). 2 of the submissions do not count toward it. Last evaluated 2025-10-12.

Conditions:
Emery-Dreifuss muscular dystrophy 4, autosomal dominant (EDMD4). Also called: EMERY-DREIFUSS MUSCULAR DYSTROPHY 4 WITH VARIABLE FEATURES. Identifiers: Orphanet 261, MedGen C2751807, MONDO:0013071, OMIM 612998.
Autosomal recessive ataxia, Beauce type. Also called: SYNE1 Deficiency; SYNE1-Related Autosomal Recessive Cerebellar Ataxia; ATAXIA, RECESSIVE, OF BEAUCE; Spinocerebellar ataxia, autosomal recessive 8. Identifiers: Orphanet 88644, MedGen C1853116, MONDO:0012549, OMIM 610743.

Allele frequency attached by ClinVar (database versions not stated): TOPMed 0.00003; gnomAD exomes 0.00004; ExAC 0.00002; gnomAD 0.00003.
gnomAD v4.1: 67 of 1,613,978 alleles (0.0042%); highest among the groups gnomAD compares: Middle Eastern, 0.066%; no homozygotes.

Submissions (5):

Labcorp Genetics (formerly Invitae), Labcorp
Classification: Likely benign for Emery-Dreifuss muscular dystrophy 4, autosomal dominant; Autosomal recessive ataxia, Beauce type. Last evaluated: 2025-10-12. Review status: criteria provided, single submitter. Criteria: Invitae Variant Classification Sherloc (09022015). Collection method: clinical testing. Allele origin: germline.

CeGaT Center for Human Genetics Tuebingen
Classification: Likely benign. Last evaluated: 2024-06-01. Review status: criteria provided, single submitter. Criteria: CeGaT Center For Human Genetics Tuebingen Variant Classification Criteria Version 2. Collection method: clinical testing. Allele origin: germline. Affected: yes. Observed: 2 variant alleles.
Comment: SYNE1: BP4

Eurofins Ntd Llc (ga)
Classification: Uncertain significance. Last evaluated: 2015-11-24. Review status: criteria provided, single submitter. Criteria: EGL Classification Definitions 2015. Collection method: clinical testing. Allele origin: germline. Observed: 2 variant alleles, 2 heterozygotes.

Clinical Genetics DNA and cytogenetics Diagnostics Lab, Erasmus MC, Erasmus Medical Center
Classification: Likely benign. Review status: no assertion criteria provided. Collection method: clinical testing. Allele origin: germline. Affected: yes. Study: VKGL Data-share Consensus. Not counted in ClinVar's aggregate classification.

Joint Genome Diagnostic Labs from Nijmegen and Maastricht, Radboudumc and MUMC+
Classification: Likely benign. Review status: no assertion criteria provided. Collection method: clinical testing. Allele origin: germline. Affected: yes. Study: VKGL Data-share Consensus. Not counted in ClinVar's aggregate classification.

NM_182961.4(SYNE1):c.12930C>T (p.Asp4310=)

Gene: SYNE1 (spectrin repeat containing nuclear envelope protein 1; minus strand). Cytogenetic location: 6q25.2.
Variant type: single nucleotide variant.
Coding change: c.12930C>T on transcript NM_182961.4 (MANE Select); coding-DNA position 12930, C replaced by T.
Protein change: p.Asp4310=; no amino-acid change (aspartic acid 4310 retained).
Molecular consequence: synonymous variant.
Genome position (GRCh38, 1-based): chr6:152,331,755, G>A on the plus strand (C>T on the coding strand, the complement: SYNE1 is on the minus strand). VCF-style: chr6-152331755-G-A. GRCh37 (hg19) VCF-style: chr6-152652890-G-A.
Other names: c.12717C>T, p.Asp4239= (NM_033071.5).
Identifiers: ClinVar variation 284691 (VCV000284691.41), dbSNP rs760209358, ClinGen allele CA4056285.